The following is an entry in ClinVar:

ClinVar aggregate classification (germline): Uncertain significance. Review status: criteria provided, multiple submitters, no conflicts (2 of 4 stars). 2 submissions from 2 submitters: Uncertain significance (2). Last evaluated 2023-08-30.

Conditions:
Singleton-Merten syndrome 1 (SGMRT1). Also called: Widened medullary cavities of bone, aortic calcification, abnormal dentition, and muscular weakness; Syndrome of widened medullary cavities of the metacarpals and phalanges, aortic calcification and abnormal dentition. Identifiers: Orphanet 85191, MedGen C4225427, MONDO:0024535, OMIM 182250.
Aicardi-Goutieres syndrome 7 (AGS7). Identifiers: Orphanet 51, MedGen C3888244, MONDO:0014367, OMIM 615846.

Allele frequency attached by ClinVar (database versions not stated): gnomAD exomes below 0.00001.
gnomAD v4.1: 3 of 1,593,892 alleles (0.00019%); highest among the groups gnomAD compares: South Asian, 0.0011%; no homozygotes.

Submissions (2):

Labcorp Genetics (formerly Invitae), Labcorp
Classification: Uncertain significance for Aicardi-Goutieres syndrome 7; Singleton-Merten syndrome 1. Last evaluated: 2023-08-30. Review status: criteria provided, single submitter. Criteria: Invitae Variant Classification Sherloc (09022015). Collection method: clinical testing. Allele origin: germline.
Comment: This variant is not present in population databases (gnomAD no frequency). This sequence change replaces threonine, which is neutral and polar, with isoleucine, which is neutral and non-polar, at codon 517 of the IFIH1 protein (p.Thr517Ile). This variant has not been reported in the literature in individuals affected with IFIH1-related conditions. In summary, the available evidence is currently insufficient to determine the role of this variant in disease. Therefore, it has been classified as a Variant of Uncertain Significance. Advanced modeling of protein sequence and biophysical properties (such as structural, functional, and spatial information, amino acid conservation, physicochemical variation, residue mobility, and thermodynamic stability) has been performed at Invitae for this missense variant, however the output from this modeling did not meet the statistical confidence thresholds required to predict the impact of this variant on IFIH1 protein function. ClinVar contains an entry for this variant (Variation ID: 1518837).

GeneDx
Classification: Uncertain significance. Last evaluated: 2022-03-23. Review status: criteria provided, single submitter. Criteria: GeneDx Variant Classification Process June 2021. Collection method: clinical testing. Allele origin: germline. Affected: yes.
Comment: Not observed at significant frequency in large population cohorts (gnomAD); In silico analysis supports that this missense variant does not alter protein structure/function; Has not been previously published as pathogenic or benign to our knowledge

NM_022168.4(IFIH1):c.1550C>T (p.Thr517Ile)

Gene: IFIH1 (interferon induced with helicase C domain 1; minus strand). Cytogenetic location: 2q24.2.
Variant type: single nucleotide variant.
Coding change: c.1550C>T on transcript NM_022168.4 (MANE Select); coding-DNA position 1550, C replaced by T.
Protein change: p.Thr517Ile; replaces threonine 517 with isoleucine.
Molecular consequence: missense variant.
Genome position (GRCh38, 1-based): chr2:162,280,087, G>A on the plus strand (C>T on the coding strand, the complement: IFIH1 is on the minus strand). VCF-style: chr2-162280087-G-A. GRCh37 (hg19) VCF-style: chr2-163136597-G-A.
Other names: short protein forms T517I.
Identifiers: ClinVar variation 1518837 (VCV001518837.8), dbSNP rs2105200508, ClinGen allele CA349001147.